The following is an entry in ClinVar:

ClinVar aggregate classification (germline): Likely benign (1 of 4 stars; one submission).

Allele frequency attached by ClinVar (database versions not stated): gnomAD exomes below 0.00001; ExAC 0.00001.
gnomAD v4.1: 1 of 1,609,124 alleles (0.000062%); no homozygotes.

Submission:

GeneDx
Classification: Likely benign. Last evaluated: 2018-02-14. Review status: criteria provided, single submitter. Criteria: GeneDx Variant Classification (06012015). Collection method: clinical testing. Allele origin: germline. Affected: yes.
Comment: This variant is considered likely benign or benign based on one or more of the following criteria: it is a conservative change, it occurs at a poorly conserved position in the protein, it is predicted to be benign by multiple in silico algorithms, and/or has population frequency not consistent with disease.

NM_001267550.2(TTN):c.50351A>G (p.Gln16784Arg)

Genes: TTN-AS1 (TTN antisense RNA 1; plus strand), TTN (titin; minus strand). Cytogenetic location: 2q31.2.
Variant type: single nucleotide variant.
Coding change: c.50351A>G on transcript NM_001267550.2 (MANE Select); coding-DNA position 50351, A replaced by G.
Protein change: p.Gln16784Arg; replaces glutamine 16784 with arginine.
Molecular consequence: missense variant.
Genome position (GRCh38, 1-based): chr2:178,612,060, T>C on the plus strand (A>G on the coding strand, the complement: TTN is on the minus strand). VCF-style: chr2-178612060-T-C. GRCh37 (hg19) VCF-style: chr2-179476787-T-C.
Other names: c.45428A>G, p.Gln15143Arg (NM_001256850.1); c.23156A>G, p.Gln7719Arg (NM_003319.4); c.42647A>G, p.Gln14216Arg (NM_133378.4); c.23531A>G, p.Gln7844Arg (NM_133432.3); c.23732A>G, p.Gln7911Arg (NM_133437.4); short protein forms Q15143R, Q16784R, Q7911R, Q14216R, Q7719R, Q7844R.
Identifiers: ClinVar variation 515541 (VCV000515541.1), dbSNP rs765976576, ClinGen allele CA1994393.